The following is an entry in ClinVar:

GRCh38/hg38 9p24.3(chr9:204193-295405)x3

Genes: DOCK8 (dedicator of cytokinesis 8; plus strand), DOCK8-AS1 (DOCK8 antisense RNA 1; minus strand), LOC126860552 (BRD4-independent group 4 enhancer GRCh37_chr9:285795-286994; plus strand), LOC130001435 (ATAC-STARR-seq lymphoblastoid silent region 19720; plus strand), LOC130001436 (ATAC-STARR-seq lymphoblastoid silent region 19721; plus strand) and 4 more. Cytogenetic location: 9p24.3.
Variant type: copy number gain.
Change: copy number 3 (three copies instead of two) of chr9:204,193-295,405 (91.2 kb, GRCh38 coordinates, 1-based), cytogenetic band 9p24.3.
Identifiers: ClinVar variation 160965 (VCV000160965.1).

ClinVar aggregate classification (germline): Uncertain significance (1 of 4 stars; one submission).

Submission:

ISCA site 4
Classification: Uncertain significance. Last evaluated: 2011-08-12. Review status: criteria provided, single submitter. Criteria: Kaminsky et al. (Genet Med. 2011). Collection method: clinical testing. Allele origin: unknown. Affected: yes. Observed: 1 variant allele.
Comment: Copy number variation identified through the course of routine clinical cytogenomic testing in postnatal populations. Clinical assertions have been curated as described in Kaminsky et al. 2011.